The following is an entry in ClinVar:

NM_000070.3(CAPN3):c.2380+12del

Gene: CAPN3 (calpain 3; plus strand). Cytogenetic location: 15q15.1.
Variant type: Deletion.
Coding change: c.2380+12del on transcript NM_000070.3 (MANE Select); 12 bases into the intron after coding-DNA position 2380, one base deleted (A; older notation c.2380+12delA).
Molecular consequence: intron variant.
Genome position (GRCh38, 1-based): chr15:42,411,012, A deleted. VCF-style (leftmost placement, unchanged base first): chr15-42411011-GA-G. GRCh37 (hg19) VCF-style: chr15-42703209-GA-G.
Other names: c.2362+12del (NM_024344.2); c.2104+12del (NM_173087.2); c.844+12del (NM_173088.2); c.385+12del (NM_173090.2, NM_173089.2); c.2380+12delA (NM_000070.2).
Identifiers: ClinVar variation 166792 (VCV000166792.23), dbSNP rs28364538, ClinGen allele CA179841.

ClinVar aggregate classification (germline): Benign. Review status: reviewed by expert panel (3 of 4 stars). 10 submissions from 9 submitters: Benign (1). 9 of the submissions do not count toward it. Last evaluated 2026-04-29.

Conditions:
Autosomal recessive limb-girdle muscular dystrophy. Identifiers: Orphanet 102015, MedGen C2931907, MONDO:0015152.
Autosomal recessive limb-girdle muscular dystrophy type 2A (LGMDR1). Also called: MUSCULAR DYSTROPHY, PELVOFEMORAL; Muscular dystrophy, limb-girdle, type 2A, Amish; LEYDEN-MOEBIUS MUSCULAR DYSTROPHY; Limb-girdle muscular dystrophy, type 2A; Calpainopathy. Identifiers: Orphanet 267, MedGen C1869123, MONDO:0009675, OMIM 253600. Disease mechanism: loss of function.

Allele frequency attached by ClinVar (database versions not stated): 1000 Genomes Project 0.01977; gnomAD exomes 0.05973 and 0.04605; 1000 Genomes Project 30x 0.02014; ExAC 0.04606; gnomAD 0.04477 and 0.04623; ESP Exome Variant Server 0.04801; TOPMed 0.04144.

Submissions (10):

ClinGen Limb Girdle Muscular Dystrophy Variant Curation Expert Panel, ClinGen
Classification: Benign for Autosomal recessive limb-girdle muscular dystrophy. Last evaluated: 2026-04-29. Review status: reviewed by expert panel. Criteria: ClinGen LGMD VCEP ACMG Specifications CAPN3 V2.0.0. Collection method: curation. Allele origin: germline. Inheritance: Autosomal recessive inheritance.
Comment: The NM_000070.3: c.2380+12del variant in CAPN3 is an intronic variant that is not located in a splice region and is not predicted to impact splicing (SpliceAI score 0; BP4, BP7). The filtering allele frequency for this variant is 0.06681 in the European (non-Finnish) population in gnomAD v4.1.1 (the lower threshold of the 95% CI of 92727/1592214 chromosomes), which is higher than the ClinGen LGMD VCEP threshold (0.003) for BA1, and therefore meets this criterion (BA1). In summary, this variant meets the criteria to be classified as Benign for autosomal recessive limb girdle muscular dystrophy based on the ACMG/AMP criteria applied, as specified by the ClinGen LGMD VCEP (specifications v2.0.0; 04/29/2026): BA1, BP4, BP7.

Labcorp Genetics (formerly Invitae), Labcorp
Classification: Benign for Autosomal recessive limb-girdle muscular dystrophy type 2A. Last evaluated: 2026-02-04. Review status: criteria provided, single submitter. Criteria: Invitae Variant Classification Sherloc (09022015). Collection method: clinical testing. Allele origin: germline. Not counted in ClinVar's aggregate classification.

GeneDx
Classification: Benign. Last evaluated: 2018-06-01. Review status: criteria provided, single submitter. Criteria: GeneDx Variant Classification Process June 2021. Collection method: clinical testing. Allele origin: germline. Affected: yes. Not counted in ClinVar's aggregate classification.

Athena Diagnostics
Classification: Benign for Autosomal recessive limb-girdle muscular dystrophy type 2A. Last evaluated: 2017-05-15. Review status: criteria provided, single submitter. Criteria: Athena Diagnostics Criteria. Collection method: clinical testing. Allele origin: germline. Not counted in ClinVar's aggregate classification.

Genome Diagnostics Laboratory, University Medical Center Utrecht
Classification: Likely benign for Autosomal recessive limb-girdle muscular dystrophy type 2A. Last evaluated: 2014-10-09. Review status: criteria provided, single submitter. Criteria: ACGS Guidelines, 2013. Collection method: clinical testing. Allele origin: germline. Affected: yes. Study: VKGL Data-share Consensus. Not counted in ClinVar's aggregate classification.

Eurofins Ntd Llc (ga)
Classification: Benign. Last evaluated: 2014-03-11. Review status: criteria provided, single submitter. Criteria: EGL Classification Definitions 2015. Collection method: clinical testing. Allele origin: germline. Observed: 10 variant alleles, 8 heterozygotes, 2 homozygotes. Not counted in ClinVar's aggregate classification.

PreventionGenetics, part of Exact Sciences
Classification: Benign. Review status: criteria provided, single submitter. Criteria: ACMG Guidelines, 2015. Collection method: clinical testing. Allele origin: germline. Not counted in ClinVar's aggregate classification.

Clinical Genetics, Academic Medical Center
Classification: Benign. Review status: no assertion criteria provided. Collection method: clinical testing. Allele origin: germline. Affected: yes. Study: VKGL Data-share Consensus. Not counted in ClinVar's aggregate classification.

Genome Diagnostics Laboratory, University Medical Center Utrecht
Classification: Benign. Review status: no assertion criteria provided. Collection method: clinical testing. Allele origin: germline. Affected: yes. Study: VKGL Data-share Consensus. Not counted in ClinVar's aggregate classification.

Laboratory of Diagnostic Genome Analysis, Leiden University Medical Center (LUMC)
Classification: Likely benign. Review status: no assertion criteria provided. Collection method: clinical testing. Allele origin: germline. Affected: yes. Study: VKGL Data-share Consensus. Not counted in ClinVar's aggregate classification.

Literature cited by the submitters: PubMed 12461690 (cited by Athena Diagnostics).